The following is an entry in ClinVar:

NM_001195263.2(PDZD7):c.126C>A (p.Tyr42Ter)

Gene: PDZD7 (PDZ domain containing 7; minus strand). Cytogenetic location: 10q24.31.
Variant type: single nucleotide variant.
Coding change: c.126C>A on transcript NM_001195263.2 (MANE Select); coding-DNA position 126, C replaced by A.
Protein change: p.Tyr42Ter; replaces tyrosine 42 with a stop codon.
Molecular consequence: nonsense.
Genome position (GRCh38, 1-based): chr10:101,030,094, G>T on the plus strand (C>A on the coding strand, the complement: PDZD7 is on the minus strand). VCF-style: chr10-101030094-G-T. GRCh37 (hg19) VCF-style: chr10-102789851-G-T.
Other names: c.126C>A, p.Tyr42Ter (NM_001351044.2, NM_024895.5); short protein forms Y42*.
Identifiers: ClinVar variation 971021 (VCV000971021.7), dbSNP rs1938012365, ClinGen allele CA378231341.
Genomic context (GRCh38, chr10:101,030,094, plus strand): 5'-CGATGAGGCTCGGATTCCGCGGGGGGGCCCGTTCAGCAGCCGTTGTTGCTTCCTTAGCAG[G>T]TATCGCGTTGCGGTGGAGCCTGAGTCGCTGCCTAGGTGGCCTCGGGAGGAGAGGGAGCTC-3'

ClinVar aggregate classification (germline): Pathogenic (1 of 4 stars; one submission).

Submission:

Labcorp Genetics (formerly Invitae), Labcorp
Classification: Pathogenic. Last evaluated: 2019-10-18. Review status: criteria provided, single submitter. Criteria: Invitae Variant Classification Sherloc (09022015). Collection method: clinical testing. Allele origin: germline.
Comment: This variant is not present in population databases (ExAC no frequency). This sequence change creates a premature translational stop signal (p.Tyr42*) in the PDZD7 gene. It is expected to result in an absent or disrupted protein product. For these reasons, this variant has been classified as Pathogenic. Loss-of-function variants in PDZD7 are known to be pathogenic (PMID: 20440071). This variant has not been reported in the literature in individuals with PDZD7-related conditions.

Literature cited by the submitters: PubMed 20440071.